The following is an entry in ClinVar:

NM_000142.5(FGFR3):c.1534+5G>A

Gene: FGFR3 (fibroblast growth factor receptor 3; plus strand). Cytogenetic location: 4p16.3.
Variant type: single nucleotide variant.
Coding change: c.1534+5G>A on transcript NM_000142.5 (MANE Select); 5 bases into the intron after coding-DNA position 1534, G replaced by A.
Molecular consequence: intron variant.
Genome position (GRCh38, 1-based): chr4:1,805,481, G>A. VCF-style: chr4-1805481-G-A. GRCh37 (hg19) VCF-style: chr4-1807208-G-A.
Other names: NC_000004.11:g.1807208G>A; c.1540+5G>A (NM_001163213.2); c.1537+5G>A (NM_001354809.2, NM_001354810.2); c.1198+5G>A (NM_022965.4).
Identifiers: ClinVar variation 2263506 (VCV002263506.3), dbSNP rs745369056, ClinGen allele CA2810425.

ClinVar aggregate classification (germline): Uncertain significance (1 of 4 stars; one submission).

Conditions:
Inborn genetic diseases. Identifiers: MedGen C0950123, MeSH D030342.

Allele frequency attached by ClinVar (database versions not stated): gnomAD exomes below 0.00001; TOPMed below 0.00001; ExAC 0.00001.
gnomAD v4.1: 3 of 1,612,120 alleles (0.00019%); highest among the groups gnomAD compares: African/African-American, 0.0027%; no homozygotes.

Submissions (2):

Ambry Genetics
Classification: Uncertain significance for Inborn genetic diseases. Last evaluated: 2022-03-28. Review status: criteria provided, single submitter. Criteria: Ambry Variant Classification Scheme 2023. Collection method: clinical testing. Allele origin: germline.
Comment: The c.1534+5G>A intronic alteration consists of a G to A substitution 5 nucleotides after exon 11 (coding exon 10) of the FGFR3 gene. Based on insufficient or conflicting evidence, the clinical significance of this alteration remains unclear.

Dr. Peter K. Rogan Lab, Western University
No classification provided (evidence only). Condition: Familial cancer of breast. Review status: no classification provided. Collection method: in vitro. Allele origin: not applicable. Functional consequence: retained intron. Not counted in ClinVar's aggregate classification.